The following is an entry in ClinVar:

ClinVar aggregate classification (germline): Pathogenic (1 of 4 stars; one submission).

Submission:

Labcorp Genetics (formerly Invitae), Labcorp
Classification: Pathogenic. Last evaluated: 2025-05-23. Review status: criteria provided, single submitter. Criteria: Invitae Variant Classification Sherloc (09022015). Collection method: clinical testing. Allele origin: germline.
Comment: This sequence change creates a premature translational stop signal (p.Leu1533Trpfs*24) in the ATR gene. It is expected to result in an absent or disrupted protein product. Loss-of-function variants in ATR are known to be pathogenic (PMID: 21228398, 23144622). This variant is not present in population databases (gnomAD no frequency). This variant has not been reported in the literature in individuals affected with ATR-related conditions. For these reasons, this variant has been classified as Pathogenic.

Literature cited by the submitters: PubMed 21228398; PubMed 23144622.

NM_001184.4(ATR):c.4596del (p.Leu1533fs)

Gene: ATR (ATR checkpoint kinase; minus strand). Cytogenetic location: 3q23.
Variant type: Deletion.
Coding change: c.4596del on transcript NM_001184.4 (MANE Select); coding-DNA position 4596, one base deleted (T; older notation c.4596delT).
Protein change: p.Leu1533fs; shifts the reading frame from leucine 1533.
Molecular consequence: frameshift variant.
Genome position (GRCh38, 1-based): chr3:142,513,546, A deleted on the plus strand (T on the coding strand, the reverse complement: ATR is on the minus strand); the first of 2 consecutive A bases (chr3:142,513,546-142,513,547); deleting either gives the same sequence. VCF-style (leftmost placement, unchanged base first): chr3-142513545-GA-G. GRCh37 (hg19) VCF-style: chr3-142232387-GA-G.
Other names: c.4404del, p.Leu1469fs (NM_001354579.2); short protein forms L1469fs, L1533fs.
Identifiers: ClinVar variation 4693838 (VCV004693838.1).
Genomic context (GRCh38, chr3:142,513,545, plus strand): 5'-AGATGATTTATCTCACCTCCTGCTGATCTTCTTGATTACAACCCAGTAAGACATACACCA[GA>G]ATATGTGGAAGAAGATAGATGGTCACTTTGAAATCATGCTTCATCATAATGCTACAGCAG-3'